The following is an entry in ClinVar:

NM_182961.4(SYNE1):c.7474G>T (p.Ala2492Ser)

Gene: SYNE1 (spectrin repeat containing nuclear envelope protein 1; minus strand). Cytogenetic location: 6q25.2.
Variant type: single nucleotide variant.
Coding change: c.7474G>T on transcript NM_182961.4 (MANE Select); coding-DNA position 7474, G replaced by T.
Protein change: p.Ala2492Ser; replaces alanine 2492 with serine.
Molecular consequence: missense variant.
Genome position (GRCh38, 1-based): chr6:152,396,857, C>A on the plus strand (G>T on the coding strand, the complement: SYNE1 is on the minus strand). VCF-style: chr6-152396857-C-A. GRCh37 (hg19) VCF-style: chr6-152717992-C-A.
Other names: c.7495G>T, p.Ala2499Ser (NM_033071.5); short protein forms A2492S, A2499S.
Identifiers: ClinVar variation 1437329 (VCV001437329.5), dbSNP rs761396972, ClinGen allele CA4057813.
Genomic context (GRCh38, chr6:152,396,857, plus strand): 5'-CTTGAAGAGCCTGCTTATCTTTAAGGCATTGTTTCAGAAATGCTTGAAACTCTTCATTGG[C>A]CTTTGTGATTTGTTCTTGAATGCTACTGACAATTTGTTTAGACAAATGTGCATACAAAGT-3'
Protein context (NP_892006.3, residues 2482-2502): VSSIQEQITK[Ala2492Ser]NEEFQAFLKQ

ClinVar aggregate classification (germline): Uncertain significance (1 of 4 stars; one submission).

Conditions:
Emery-Dreifuss muscular dystrophy 4, autosomal dominant (EDMD4). Also called: EMERY-DREIFUSS MUSCULAR DYSTROPHY 4 WITH VARIABLE FEATURES. Identifiers: Orphanet 261, MedGen C2751807, MONDO:0013071, OMIM 612998.
Autosomal recessive ataxia, Beauce type. Also called: Spinocerebellar ataxia, autosomal recessive 8; ATAXIA, RECESSIVE, OF BEAUCE; SYNE1 Deficiency; SYNE1-Related Autosomal Recessive Cerebellar Ataxia. Identifiers: Orphanet 88644, MedGen C1853116, MONDO:0012549, OMIM 610743.

Allele frequency attached by ClinVar (database versions not stated): TOPMed 0.00001; gnomAD exomes 0.00003 and 0.00006; ExAC 0.00005.
gnomAD v4.1: 15 of 1,614,116 alleles (0.00093%); highest among the groups gnomAD compares: Admixed American, 0.023%; no homozygotes.

Submission:

Labcorp Genetics (formerly Invitae), Labcorp
Classification: Uncertain significance for Emery-Dreifuss muscular dystrophy 4, autosomal dominant; Autosomal recessive ataxia, Beauce type. Last evaluated: 2022-12-02. Review status: criteria provided, single submitter. Criteria: Invitae Variant Classification Sherloc (09022015). Collection method: clinical testing. Allele origin: germline.
Comment: In summary, the available evidence is currently insufficient to determine the role of this variant in disease. Therefore, it has been classified as a Variant of Uncertain Significance. Algorithms developed to predict the effect of missense changes on protein structure and function (SIFT, PolyPhen-2, Align-GVGD) all suggest that this variant is likely to be tolerated. ClinVar contains an entry for this variant (Variation ID: 1437329). This variant has not been reported in the literature in individuals affected with SYNE1-related conditions. This variant is present in population databases (rs761396972, gnomAD 0.04%). This sequence change replaces alanine, which is neutral and non-polar, with serine, which is neutral and polar, at codon 2499 of the SYNE1 protein (p.Ala2499Ser).